The following is an entry in ClinVar:

ClinVar aggregate classification (germline): Uncertain significance (1 of 4 stars; one submission).

Conditions:
Brugada syndrome 4 (BRGDA4). Identifiers: Orphanet 130, MedGen C2678477, MONDO:0012743, OMIM 611876.

Submission:

Labcorp Genetics (formerly Invitae), Labcorp
Classification: Uncertain significance for Brugada syndrome 4. Last evaluated: 2022-07-05. Review status: criteria provided, single submitter. Criteria: Invitae Variant Classification Sherloc (09022015). Collection method: clinical testing. Allele origin: germline.
Comment: In summary, the available evidence is currently insufficient to determine the role of this variant in disease. Therefore, it has been classified as a Variant of Uncertain Significance. Algorithms developed to predict the effect of missense changes on protein structure and function are either unavailable or do not agree on the potential impact of this missense change (SIFT: "Deleterious"; PolyPhen-2: "Probably Damaging"; Align-GVGD: "Class C0"). ClinVar contains an entry for this variant (Variation ID: 1060906). This variant has not been reported in the literature in individuals affected with CACNB2-related conditions. This variant is not present in population databases (gnomAD no frequency). This sequence change replaces alanine, which is neutral and non-polar, with valine, which is neutral and non-polar, at codon 62 of the CACNB2 protein (p.Ala62Val).

NM_201596.3(CACNB2):c.347C>T (p.Ala116Val)

Gene: CACNB2 (calcium voltage-gated channel auxiliary subunit beta 2; plus strand). Cytogenetic location: 10p12.31.
Variant type: single nucleotide variant.
Coding change: c.347C>T on transcript NM_201596.3 (MANE Select); coding-DNA position 347, C replaced by T.
Protein change: p.Ala116Val; replaces alanine 116 with valine.
Molecular consequence: missense variant.
Genome position (GRCh38, 1-based): chr10:18,498,368, C>T. VCF-style: chr10-18498368-C-T. GRCh37 (hg19) VCF-style: chr10-18787297-C-T.
Other names: c.182C>T, p.Ala61Val (NM_000724.4, NM_001330060.2); c.263C>T, p.Ala88Val (NM_001167945.2, NM_201571.4, NM_201572.4); c.203C>T, p.Ala68Val (NM_201570.3); c.185C>T, p.Ala62Val (NM_201590.3); c.347C>T, p.Ala116Val (NM_201593.3, NM_201597.3); short protein forms A116V, A61V, A62V, A68V, A88V.
Identifiers: ClinVar variation 1060906 (VCV001060906.9), dbSNP rs1423731870, ClinGen allele CA376056632.